The following is an entry in ClinVar:

ClinVar aggregate classification (germline): Uncertain significance (1 of 4 stars; one submission).

Submission:

GeneDx
Classification: Uncertain significance. Last evaluated: 2023-05-03. Review status: criteria provided, single submitter. Criteria: GeneDx Variant Classification Process June 2021. Collection method: clinical testing. Allele origin: germline. Affected: yes.
Comment: Not observed at significant frequency in large population cohorts (gnomAD); In silico analysis supports that this missense variant has a deleterious effect on protein structure/function; Has not been previously published as pathogenic or benign to our knowledge

NM_005898.5(CAPRIN1):c.325G>T (p.Ala109Ser)

Gene: CAPRIN1 (cell cycle associated protein 1; plus strand). Cytogenetic location: 11p13.
Variant type: single nucleotide variant.
Coding change: c.325G>T on transcript NM_005898.5 (MANE Select); coding-DNA position 325, G replaced by T.
Protein change: p.Ala109Ser; replaces alanine 109 with serine.
Molecular consequence: missense variant.
Genome position (GRCh38, 1-based): chr11:34,071,946, G>T. VCF-style: chr11-34071946-G-T. GRCh37 (hg19) VCF-style: chr11-34093493-G-T.
Other names: c.325G>T, p.Ala109Ser (NM_203364.3); short protein forms A109S.
Identifiers: ClinVar variation 2663435 (VCV002663435.1), dbSNP rs2496027496, ClinGen allele CA380027060.